The following is an entry in ClinVar:

ClinVar aggregate classification (germline): Uncertain significance (1 of 4 stars; one submission).

Conditions:
X-linked lymphoproliferative disease due to XIAP deficiency. Also called: XIAP-Related Lymphoproliferative Disease, X-Linked; XIAP DEFICIENCY. Identifiers: Orphanet 2442, Orphanet 538934, MedGen C1845076, MONDO:0010385, OMIM 300635.

gnomAD v4.1: 1 of 1,211,901 alleles (0.000083%); highest among the groups gnomAD compares: Non-Finnish European, 0.00011%; no homozygotes.

Submission:

Labcorp Genetics (formerly Invitae), Labcorp
Classification: Uncertain significance for X-linked lymphoproliferative disease due to XIAP deficiency. Last evaluated: 2025-08-31. Review status: criteria provided, single submitter. Criteria: Invitae Variant Classification Sherloc (09022015). Collection method: clinical testing. Allele origin: germline.
Comment: This sequence change replaces aspartic acid, which is acidic and polar, with valine, which is neutral and non-polar, at codon 242 of the XIAP protein (p.Asp242Val). This variant is not present in population databases (gnomAD no frequency). This variant has not been reported in the literature in individuals affected with XIAP-related conditions. An algorithm developed to predict the effect of missense changes on protein structure and function (PolyPhen-2) suggests that this variant is likely to be tolerated. In summary, the available evidence is currently insufficient to determine the role of this variant in disease. Therefore, it has been classified as a Variant of Uncertain Significance.

NM_001167.4(XIAP):c.725A>T (p.Asp242Val)

Gene: XIAP (X-linked inhibitor of apoptosis; plus strand). Cytogenetic location: Xq25.
Variant type: single nucleotide variant.
Coding change: c.725A>T on transcript NM_001167.4 (MANE Select); coding-DNA position 725, A replaced by T.
Protein change: p.Asp242Val; replaces aspartic acid 242 with valine.
Molecular consequence: missense variant.
Genome position (GRCh38, 1-based): chrX:123,886,387, A>T. VCF-style: chrX-123886387-A-T. GRCh37 (hg19) VCF-style: chrX-123020237-A-T.
Other names: c.725A>T, p.Asp242Val (NM_001204401.2, NM_001378590.1, NM_001378591.1 and 1 more transcripts); short protein forms D242V.
Identifiers: ClinVar variation 4739872 (VCV004739872.1).
Genomic context (GRCh38, chrX:123,886,387, plus strand): 5'-GACACTTTCCTAATTGCTTCTTTGTTTTGGGCCGGAATCTTAATATTCGAAGTGAATCTG[A>T]TGCTGTGAGTTCTGATAGGAATTTCCCAAATTCAACAAATCTTCCAAGAAATCCATCCAT-3'
Protein context (NP_001158.2, residues 232-252): GRNLNIRSES[Asp242Val]AVSSDRNFPN